The following is an entry in ClinVar:

ClinVar aggregate classification (germline): Uncertain significance (1 of 4 stars; one submission).

Conditions:
Cardiomyopathy (CMYO). Also called: Cardiomyopathies. Identifiers: Orphanet 167848, MedGen C0878544, MONDO:0004994, HP:0001638. Inheritance: Various modes of inheritance.

Submission:

Color Diagnostics, LLC DBA Color Health
Classification: Uncertain significance for Cardiomyopathy. Last evaluated: 2018-10-03. Review status: criteria provided, single submitter. Criteria: ACMG Guidelines, 2015. Collection method: clinical testing. Allele origin: germline.
Comment: Variant of Uncertain Significance due to insufficient evidence: This variant deletes 1 nucleotides in exon 15 of the DSG2 gene, creating a frameshift and translation stop signal. This truncation occurs in the last exon that encodes a cytoplasmic region. The variant may result in an expression of a truncated protein lacking the last 80 amino acids. To our knowledge, functional assays have not been performed for this variant nor has this variant been reported in individuals affected with cardiovascular disorders in the literature. This variant is rare in the general population and has been identified in 0/277264 chromosomes by the Genome Aggregation Database (gnomAD). Available evidence is insufficient to determine the pathogenicity of this variant conclusively.

NM_001943.5(DSG2):c.3111del (p.Asn1037fs)

Genes: DSG2 (desmoglein 2; plus strand), DSG2-AS1 (DSG2 antisense RNA 1; minus strand). Cytogenetic location: 18q12.1.
Variant type: Deletion.
Coding change: c.3111del on transcript NM_001943.5 (MANE Select); coding-DNA position 3111, one base deleted (T; older notation c.3111delT).
Protein change: p.Asn1037fs; shifts the reading frame from asparagine 1037.
Molecular consequence: frameshift variant.
Genome position (GRCh38, 1-based): chr18:31,546,497, T deleted. VCF-style (leftmost placement, unchanged base first): chr18-31546496-AT-A. GRCh37 (hg19) VCF-style: chr18-29126459-AT-A.
Other names: short protein forms N1037fs.
Identifiers: ClinVar variation 629408 (VCV000629408.2), dbSNP rs1567935108, ClinGen allele CA913188921.